The following is an entry in ClinVar:

ClinVar aggregate classification (germline): Uncertain significance (1 of 4 stars; one submission).

Conditions:
Hereditary cancer-predisposing syndrome. Also called: Neoplastic Syndromes, Hereditary; Tumor predisposition; Hereditary neoplastic syndrome; Hereditary Cancer Syndrome. Identifiers: Orphanet 140162, MedGen C0027672, MeSH D009386, MONDO:0015356.

Submission:

Ambry Genetics
Classification: Uncertain significance for Hereditary cancer-predisposing syndrome. Last evaluated: 2025-03-27. Review status: criteria provided, single submitter. Criteria: Ambry Variant Classification Scheme 2023. Collection method: clinical testing. Allele origin: germline.
Comment: The p.A1168G variant (also known as c.3503C>G), located in coding exon 22 of the ALK gene, results from a C to G substitution at nucleotide position 3503. The alanine at codon 1168 is replaced by glycine, an amino acid with similar properties. This amino acid position is conserved. In addition, this alteration is predicted to be deleterious by in silico analysis. Based on the available evidence, the clinical significance of this variant remains unclear.

NM_004304.5(ALK):c.3503C>G (p.Ala1168Gly)

Gene: ALK (ALK receptor tyrosine kinase; minus strand). Cytogenetic location: 2p23.2.
Variant type: single nucleotide variant.
Coding change: c.3503C>G on transcript NM_004304.5 (MANE Select); coding-DNA position 3503, C replaced by G.
Protein change: p.Ala1168Gly; replaces alanine 1168 with glycine.
Molecular consequence: missense variant.
Genome position (GRCh38, 1-based): chr2:29,222,356, G>C on the plus strand (C>G on the coding strand, the complement: ALK is on the minus strand). VCF-style: chr2-29222356-G-C. GRCh37 (hg19) VCF-style: chr2-29445222-G-C.
Other names: c.299C>G, p.Ala100Gly (NM_001353765.2); short protein forms A100G, A1168G.
Identifiers: ClinVar variation 4040390 (VCV004040390.1).